The following is an entry in ClinVar:

NM_138477.4(CDAN1):c.3268G>A (p.Val1090Ile)

Gene: CDAN1 (codanin 1; minus strand). Cytogenetic location: 15q15.2.
Variant type: single nucleotide variant.
Coding change: c.3268G>A on transcript NM_138477.4 (MANE Select); coding-DNA position 3268, G replaced by A.
Protein change: p.Val1090Ile; replaces valine 1090 with isoleucine.
Molecular consequence: missense variant.
Genome position (GRCh38, 1-based): chr15:42,726,097, C>T on the plus strand (G>A on the coding strand, the complement: CDAN1 is on the minus strand). VCF-style: chr15-42726097-C-T. GRCh37 (hg19) VCF-style: chr15-43018295-C-T.
Other names: short protein forms V1090I.
Identifiers: ClinVar variation 3382815 (VCV003382815.3).
Genomic context (GRCh38, chr15:42,726,097, plus strand): 5'-ACCCAACCCTGAGATTTGGGGGATCAGGCAAGAGAGGGATTTGATGGAAAGCAACCATAC[C>T]GAGGAGGGAAGCTAACTCCACAGAGCACTTTGCCAGATGCTGCTCAGCAGGTGGGCACAG-3'
Protein context (NP_612486.2, residues 1080-1100): KCSVELASLL[Val1090Ile]ADQIPILGPP

ClinVar aggregate classification (germline): Uncertain significance. Review status: criteria provided, multiple submitters, no conflicts (2 of 4 stars). 2 submissions from 2 submitters: Uncertain significance (2). Last evaluated 2023-09-18.

Conditions:
Anemia, congenital dyserythropoietic, type 1a (CDAN1A). Also called: DYSERYTHROPOIETIC ANEMIA, CONGENITAL, TYPE Ia; CDAN1-Related Congenital Dyserythropoietic Anemia. Identifiers: MedGen C5574667, MONDO:0009135, OMIM 224120.

gnomAD v4.1: 4 of 1,613,706 alleles (0.00025%); highest among the groups gnomAD compares: East Asian, 0.0045%; no homozygotes.

Submissions (2):

Blueprint Genetics
Classification: Uncertain significance. Last evaluated: 2023-09-18. Review status: criteria provided, single submitter. Criteria: ACMG Guidelines, 2015. Collection method: clinical testing. Allele origin: germline.

Juno Genomics, Hangzhou Juno Genomics, Inc
Classification: Uncertain significance for Anemia, congenital dyserythropoietic, type 1a. Review status: criteria provided, single submitter. Criteria: ACMG Guidelines, 2015. Collection method: clinical testing. Allele origin: germline. Affected: yes.
Comment: Absent from controls (or at extremely low frequency if recessive) in Genome Aggregation Database, Exome Sequencing Project, 1000 Genomes Project, or Exome Aggregation Consortium.;Multiple lines of computational evidence support a deleterious effect on the gene or gene product (conservation, evolutionary, splicing impact, etc).;For recessive disorders, detected in trans with a pathogenic variant.